The following is an entry in ClinVar:

ClinVar aggregate classification (germline): Likely pathogenic (1 of 4 stars; one submission).

Conditions:
Primary hyperoxaluria, type I (HP1). Also called: GLYCOLIC ACIDURIA; HEPATIC AGT DEFICIENCY; OXALOSIS I; Primary hyperoxaluria type 1. Identifiers: Orphanet 416, Orphanet 93598, MedGen C0268164, MONDO:0009823, OMIM 259900. Disease mechanism: loss of function.

Submission:

Myriad Genetics, Inc.
Classification: Likely pathogenic for Primary hyperoxaluria, type I. Last evaluated: 2020-02-02. Review status: criteria provided, single submitter. Criteria: Myriad Women's Health Autosomal Recessive and X-Linked Classification Criteria (2019). Collection method: clinical testing. Allele origin: unknown.
Comment: NM_000030.2(AGXT):c.653C>A(S218*) is expected to be pathogenic in the context of primary hyperoxaluria type 1. This variant is predicted to lead to an abnormal or absent protein product due to the creation of a premature termination codon in AGXT, a gene where loss-of-function variants are known to be pathogenic. Please note: this variant was assessed in the context of healthy population screening.

NM_000030.3(AGXT):c.653C>A (p.Ser218Ter)

Gene: AGXT (alanine--glyoxylate aminotransferase; plus strand). Cytogenetic location: 2q37.3.
Variant type: single nucleotide variant.
Coding change: c.653C>A on transcript NM_000030.3 (MANE Select); coding-DNA position 653, C replaced by A.
Protein change: p.Ser218Ter; replaces serine 218 with a stop codon.
Molecular consequence: nonsense.
Genome position (GRCh38, 1-based): chr2:240,874,035, C>A. VCF-style: chr2-240874035-C-A. GRCh37 (hg19) VCF-style: chr2-241813452-C-A.
Other names: short protein forms S218*.
Identifiers: ClinVar variation 983731 (VCV000983731.3), dbSNP rs180177253, ClinGen allele CA351316985.